The following is an entry in ClinVar:

NM_007294.4(BRCA1):c.1040T>A (p.Leu347Gln)

Gene: BRCA1 (BRCA1 DNA repair associated; minus strand). Cytogenetic location: 17q21.31.
Variant type: single nucleotide variant.
Coding change: c.1040T>A on transcript NM_007294.4 (MANE Select); coding-DNA position 1040, T replaced by A.
Protein change: p.Leu347Gln; replaces leucine 347 with glutamine.
Molecular consequence: missense variant. On other transcripts: intron variant (137).
Genome position (GRCh38, 1-based): chr17:43,094,491, A>T on the plus strand (T>A on the coding strand, the complement: BRCA1 is on the minus strand). VCF-style: chr17-43094491-A-T. GRCh37 (hg19) VCF-style: chr17-41246508-A-T.
Other names: c.827T>A, p.Leu276Gln (NM_001407571.1, NM_001407853.1, NM_001407894.1 and 9 more transcripts); c.1040T>A, p.Leu347Gln (NM_001407581.1, NM_001407582.1, NM_001407583.1 and 30 more transcripts); c.1037T>A, p.Leu346Gln (NM_001407587.1, NM_001407590.1, NM_001407591.1 and 22 more transcripts); c.962T>A, p.Leu321Gln (NM_001407658.1, NM_001407663.1, NM_001407653.1 and 4 more transcripts); c.959T>A, p.Leu320Gln (NM_001407659.1, NM_001407660.1, NM_001407661.1 and 1 more transcripts); c.917T>A, p.Leu306Gln (NM_001407664.1, NM_001407665.1, NM_001407666.1 and 19 more transcripts); c.914T>A, p.Leu305Gln (NM_001407685.1, NM_001407940.1, NM_001407941.1 and 11 more transcripts); c.899T>A, p.Leu300Gln (NM_001407697.1, NM_001407698.1, NM_001407724.1 and 29 more transcripts); and 40 more; short protein forms L347Q, L300Q, L179Q, L235Q, L280Q, L321Q, L346Q, L51Q.
Identifiers: ClinVar variation 441364 (VCV000441364.15), dbSNP rs757987511, ClinGen allele CA8589954.

ClinVar aggregate classification (germline): Conflicting classifications of pathogenicity. Review status: criteria provided, conflicting classifications (1 of 4 stars). 5 submissions from 5 submitters: Uncertain significance (4); Likely benign (1). Last evaluated 2024-12-09.

Conditions:
Hereditary breast ovarian cancer syndrome. Also called: Hereditary breast and ovarian cancer syndrome (HBOC); BRCA1- and BRCA2-Associated Hereditary Breast and Ovarian Cancer; Hereditary breast and/or ovarian cancer syndrome; Hereditary breast and ovarian cancer syndrome; Hereditary breast and ovarian cancer; Breast and ovarian cancer. Identifiers: Orphanet 145, MedGen C0677776, MeSH D061325, MONDO:0003582. Disease mechanism: loss of function.
Fanconi anemia, complementation group S (FANCS). Identifiers: MedGen C4554406, MONDO:0054748, OMIM 617883.
Breast-ovarian cancer, familial, susceptibility to, 1 (BROVCA1). Also called: BRCA1 Hereditary Breast and Ovarian Cancer; OVARIAN CANCER, SUSCEPTIBILITY TO. Identifiers: Orphanet 145, MedGen C2676676, MONDO:0011450, OMIM 604370. Disease mechanism: loss of function.
Pancreatic cancer, susceptibility to, 4. Identifiers: Orphanet 1333, MedGen C3280442, MONDO:0013685, OMIM 614320.
Hereditary cancer-predisposing syndrome. Also called: Neoplastic Syndromes, Hereditary; Hereditary neoplastic syndrome; Tumor predisposition; Hereditary Cancer Syndrome. Identifiers: Orphanet 140162, MedGen C0027672, MeSH D009386, MONDO:0015356.

Allele frequency attached by ClinVar (database versions not stated): gnomAD exomes 0.00001 and 0.00002; ExAC 0.00002.

Submissions (5):

Labcorp Genetics (formerly Invitae), Labcorp
Classification: Uncertain significance for Hereditary breast ovarian cancer syndrome. Last evaluated: 2024-12-09. Review status: criteria provided, single submitter. Criteria: Invitae Variant Classification Sherloc (09022015). Collection method: clinical testing. Allele origin: germline.
Comment: This sequence change replaces leucine, which is neutral and non-polar, with glutamine, which is neutral and polar, at codon 347 of the BRCA1 protein (p.Leu347Gln). This variant is present in population databases (rs757987511, gnomAD 0.01%). This missense change has been observed in individual(s) with personal and/or family history of breast and/or ovarian cancer (PMID: 34981296). ClinVar contains an entry for this variant (Variation ID: 441364). Invitae Evidence Modeling of protein sequence and biophysical properties (such as structural, functional, and spatial information, amino acid conservation, physicochemical variation, residue mobility, and thermodynamic stability) indicates that this missense variant is not expected to disrupt BRCA1 protein function with a negative predictive value of 80%. In summary, the available evidence is currently insufficient to determine the role of this variant in disease. Therefore, it has been classified as a Variant of Uncertain Significance.

Ambry Genetics
Classification: Uncertain significance for Hereditary cancer-predisposing syndrome. Last evaluated: 2024-09-23. Review status: criteria provided, single submitter. Criteria: Ambry Variant Classification Scheme 2023. Collection method: clinical testing. Allele origin: germline.
Comment: The p.L347Q variant (also known as c.1040T>A), located in coding exon 9 of the BRCA1 gene, results from a T to A substitution at nucleotide position 1040. The leucine at codon 347 is replaced by glutamine, an amino acid with dissimilar properties. This amino acid position is not well conserved in available vertebrate species. In addition, the in silico prediction for this alteration is inconclusive. Based on the available evidence, the clinical significance of this variant remains unclear.

Fulgent Genetics
Classification: Uncertain significance for Breast-ovarian cancer, familial, susceptibility to, 1; Pancreatic cancer, susceptibility to, 4; Fanconi anemia, complementation group S. Last evaluated: 2024-04-16. Review status: criteria provided, single submitter. Criteria: ACMG Guidelines, 2015. Collection method: clinical testing. Allele origin: germline.

University of Washington Department of Laboratory Medicine, University of Washington
Classification: Likely benign for Hereditary cancer-predisposing syndrome. Last evaluated: 2023-03-23. Review status: criteria provided, single submitter. Criteria: Dines et al. (Genet Med. 2020). Collection method: curation. Allele origin: germline.
Comment: Missense variant in a coldspot region where missense variants are very unlikely to be pathogenic (PMID:31911673).

BRCA1 coldspot (exon 11 using historical exon numbering). Reclassification based on statistical prior probability

Quest Diagnostics Nichols Institute San Juan Capistrano
Classification: Uncertain significance. Last evaluated: 2018-02-23. Review status: criteria provided, single submitter. Criteria: Quest Diagnostics criteria. Collection method: clinical testing. Allele origin: germline.

Literature cited by the submitters: PubMed 34981296 (cited by Labcorp Genetics (formerly Invitae), Labcorp).